The following is an entry in ClinVar:

NM_020812.4(DOCK6):c.3331G>A (p.Gly1111Arg)

Gene: DOCK6 (dedicator of cytokinesis 6; minus strand). Cytogenetic location: 19p13.2.
Variant type: single nucleotide variant.
Coding change: c.3331G>A on transcript NM_020812.4 (MANE Select); coding-DNA position 3331, G replaced by A.
Protein change: p.Gly1111Arg; replaces glycine 1111 with arginine.
Molecular consequence: missense variant.
Genome position (GRCh38, 1-based): chr19:11,222,158, C>T on the plus strand (G>A on the coding strand, the complement: DOCK6 is on the minus strand). VCF-style: chr19-11222158-C-T. GRCh37 (hg19) VCF-style: chr19-11332834-C-T.
Other names: c.3436G>A, p.Gly1146Arg (NM_001367830.1); short protein forms G1111R, G1146R.
Identifiers: ClinVar variation 1921431 (VCV001921431.5), dbSNP rs2513035053, ClinGen allele CA404088894.

ClinVar aggregate classification (germline): Uncertain significance (1 of 4 stars; one submission).

Submission:

Labcorp Genetics (formerly Invitae), Labcorp
Classification: Uncertain significance. Last evaluated: 2022-06-20. Review status: criteria provided, single submitter. Criteria: Invitae Variant Classification Sherloc (09022015). Collection method: clinical testing. Allele origin: germline.
Comment: In summary, the available evidence is currently insufficient to determine the role of this variant in disease. Therefore, it has been classified as a Variant of Uncertain Significance. Algorithms developed to predict the effect of missense changes on protein structure and function are either unavailable or do not agree on the potential impact of this missense change (SIFT: "Deleterious"; PolyPhen-2: "Probably Damaging"; Align-GVGD: "Class C0"). This variant has not been reported in the literature in individuals affected with DOCK6-related conditions. This variant is not present in population databases (gnomAD no frequency). This sequence change replaces glycine, which is neutral and non-polar, with arginine, which is basic and polar, at codon 1111 of the DOCK6 protein (p.Gly1111Arg).